The following is an entry in ClinVar:

NM_000301.5(PLG):c.646G>A (p.Ala216Thr)

Gene: PLG (plasminogen; plus strand). Cytogenetic location: 6q26.
Variant type: single nucleotide variant.
Coding change: c.646G>A on transcript NM_000301.5 (MANE Select); coding-DNA position 646, G replaced by A.
Protein change: p.Ala216Thr; replaces alanine 216 with threonine.
Molecular consequence: missense variant.
Genome position (GRCh38, 1-based): chr6:160,714,892, G>A. VCF-style: chr6-160714892-G-A. GRCh37 (hg19) VCF-style: chr6-161135924-G-A.
Other names: short protein forms A216T.
Identifiers: ClinVar variation 1049859 (VCV001049859.5), dbSNP rs374234922, ClinGen allele CA4087510.

ClinVar aggregate classification (germline): Uncertain significance. Review status: criteria provided, multiple submitters, no conflicts (2 of 4 stars). 3 submissions from 3 submitters: Uncertain significance (2). 1 of the submissions does not count toward it. Last evaluated 2024-04-02.

Conditions:
Plasminogen deficiency, type I. Also called: Hypoplasminogenemia; Type 1 plasminogen deficiency. Identifiers: Orphanet 722, MedGen C1968804, MONDO:0009009, OMIM 217090.
Angioedema, hereditary, 4. Identifiers: MedGen C5543503, MONDO:0025712, OMIM 619360.

Allele frequency attached by ClinVar (database versions not stated): ExAC 0.00002; gnomAD exomes 0.00004; gnomAD 0.00005 and 0.00006; TOPMed 0.00005; ESP Exome Variant Server 0.00015.
gnomAD v4.1: 63 of 1,613,608 alleles (0.0039%); highest among the groups gnomAD compares: African/African-American, 0.013%; no homozygotes.

Submissions (3):

Labcorp Genetics (formerly Invitae), Labcorp
Classification: Uncertain significance. Last evaluated: 2024-04-02. Review status: criteria provided, single submitter. Criteria: Invitae Variant Classification Sherloc (09022015). Collection method: clinical testing. Allele origin: germline.
Comment: This sequence change replaces alanine, which is neutral and non-polar, with threonine, which is neutral and polar, at codon 216 of the PLG protein (p.Ala216Thr). This variant is present in population databases (rs374234922, gnomAD 0.03%). This variant has not been reported in the literature in individuals affected with PLG-related conditions. ClinVar contains an entry for this variant (Variation ID: 1049859). Advanced modeling of protein sequence and biophysical properties (such as structural, functional, and spatial information, amino acid conservation, physicochemical variation, residue mobility, and thermodynamic stability) performed at Invitae indicates that this missense variant is not expected to disrupt PLG protein function with a negative predictive value of 95%. In summary, the available evidence is currently insufficient to determine the role of this variant in disease. Therefore, it has been classified as a Variant of Uncertain Significance.

Fulgent Genetics
Classification: Uncertain significance for Plasminogen deficiency, type I; Angioedema, hereditary, 4. Last evaluated: 2021-12-10. Review status: criteria provided, single submitter. Criteria: ACMG Guidelines, 2015. Collection method: clinical testing. Allele origin: unknown.

Department of Pathology and Laboratory Medicine, Sinai Health System
Classification: Uncertain significance. Review status: no assertion criteria provided. Collection method: clinical testing. Allele origin: unknown. Affected: yes. Study: The Canadian Open Genetics Repository (COGR). Not counted in ClinVar's aggregate classification.
Comment: The PLG p.Ala216Thr variant was not identified in the literature nor was it identified in ClinVar, Cosmic or LOVD 3.0. The variant was identified in dbSNP (ID: rs374234922) and in control databases in 13 of 282524 chromosomes at a frequency of 0.000046 (Genome Aggregation Database Feb 27, 2017). The variant was observed in the following populations: Ashkenazi Jewish in 3 of 10362 chromosomes (freq: 0.00029), Other in 2 of 7210 chromosomes (freq: 0.000277), African in 3 of 24960 chromosomes (freq: 0.00012), East Asian in 1 of 19924 chromosomes (freq: 0.00005) and European (non-Finnish) in 4 of 128942 chromosomes (freq: 0.000031); it was not observed in the Latino, European (Finnish), and South Asian populations. The p.Ala216 residue is not conserved in mammals and four out of five computational analyses (PolyPhen-2, AlignGVGD, BLOSUM, MutationTaster) do not suggest a high likelihood of impact to the protein; however, this information is not predictive enough to rule out pathogenicity. The variant occurs outside of the splicing consensus sequence and in silico or computational prediction software programs (SpliceSiteFinder, MaxEntScan, NNSPLICE, GeneSplicer) do not predict a difference in splicing. In summary, based on the above information the clinical significance of this variant cannot be determined with certainty at this time. This variant is classified as a variant of uncertain significance.